The following is an entry in ClinVar:

ClinVar aggregate classification (germline): Conflicting classifications of pathogenicity. Review status: criteria provided, conflicting classifications (1 of 4 stars). 3 submissions from 3 submitters: Uncertain significance (2); Likely benign (1). Last evaluated 2024-07-09.

Conditions:
Hereditary cancer-predisposing syndrome. Also called: Hereditary neoplastic syndrome; Neoplastic Syndromes, Hereditary; Tumor predisposition; Hereditary Cancer Syndrome. Identifiers: Orphanet 140162, MedGen C0027672, MeSH D009386, MONDO:0015356.
Breast-ovarian cancer, familial, susceptibility to, 2 (BROVCA2). Also called: BRCA2 Hereditary Breast and Ovarian Cancer. Identifiers: Orphanet 145, MedGen C2675520, MONDO:0012933, OMIM 612555. Disease mechanism: loss of function.

Submissions (3):

Ambry Genetics
Classification: Uncertain significance for Hereditary cancer-predisposing syndrome. Last evaluated: 2024-07-09. Review status: criteria provided, single submitter. Criteria: Ambry Variant Classification Scheme 2023. Collection method: clinical testing. Allele origin: germline.
Comment: The p.N1747T variant (also known as c.5240A>C), located in coding exon 10 of the BRCA2 gene, results from an A to C substitution at nucleotide position 5240. The asparagine at codon 1747 is replaced by threonine, an amino acid with similar properties. This variant was not reported in population based cohorts in the following databases: Database of Single Nucleotide Polymorphisms (dbSNP), NHLBI Exome Sequencing Project (ESP), and 1000 Genomes Project. In the ESP, this variant was not observed in 6494 samples (12988 alleles) with coverage at this position. To date, this alteration has been detected with an allele frequency of approximately 0.0003% (greater than 300000 alleles tested) in our clinical cohort. This amino acid position is not well conserved in available vertebrate species. In addition, this alteration is predicted to be tolerated by in silico analysis. Since supporting evidence is limited at this time, the clinical significance of this alteration remains unclear.

All of Us Research Program, National Institutes of Health
Classification: Uncertain significance for Breast-ovarian cancer, familial, susceptibility to, 2. Last evaluated: 2023-07-10. Review status: criteria provided, single submitter. Criteria: ACMG Guidelines, 2015. Collection method: clinical testing. Allele origin: germline. Inheritance: Autosomal dominant inheritance. Observed: 1 variant allele, 1 heterozygote.
Comment: This missense variant replaces asparagine with threonine at codon 1747 of the BRCA2 protein. Computational prediction suggests that this variant may not impact protein structure and function (internally defined REVEL score threshold <= 0.5, PMID: 27666373). To our knowledge, functional studies have not been reported for this variant. This variant has not been reported in individuals affected with BRCA2-related disorders in the literature. This variant has not been identified in the general population by the Genome Aggregation Database (gnomAD). The available evidence is insufficient to determine the role of this variant in disease conclusively. Therefore, this variant is classified as a Variant of Uncertain Significance.

This study involves interpretation of variants in research participants for the purpose of population health screening. Participant phenotype was not available at the time of variant classification. Additional details can be found in publication PMID: 35346344, PMCID: PMC8962531

University of Washington Department of Laboratory Medicine, University of Washington
Classification: Likely benign for Hereditary cancer-predisposing syndrome. Last evaluated: 2023-03-23. Review status: criteria provided, single submitter. Criteria: Dines et al. (Genet Med. 2020). Collection method: curation. Allele origin: germline.
Comment: Missense variant in a coldspot region where missense variants are very unlikely to be pathogenic (PMID:31911673).

BRCA2 exon 11 coldspot. Reclassification based on statistical prior probability.

NM_000059.4(BRCA2):c.5240A>C (p.Asn1747Thr)

Gene: BRCA2 (BRCA2 DNA repair associated; plus strand). Cytogenetic location: 13q13.1.
Variant type: single nucleotide variant.
Coding change: c.5240A>C on transcript NM_000059.4 (MANE Select); coding-DNA position 5240, A replaced by C.
Protein change: p.Asn1747Thr; replaces asparagine 1747 with threonine.
Molecular consequence: missense variant.
Genome position (GRCh38, 1-based): chr13:32,339,595, A>C. VCF-style: chr13-32339595-A-C. GRCh37 (hg19) VCF-style: chr13-32913732-A-C.
Other names: short protein forms N1747T.
Identifiers: ClinVar variation 481552 (VCV000481552.9), dbSNP rs1555284128, ClinGen allele CA387784679.